The following is an entry in ClinVar:

ClinVar aggregate classification (germline): Benign. Review status: reviewed by expert panel (3 of 4 stars). 5 submissions from 5 submitters: Benign (1). 4 of the submissions do not count toward it. Last evaluated 2024-02-09.

Conditions:
Thrombophilia, X-linked, due to factor 9 defect. Identifiers: MedGen C2749016, MONDO:0010432, OMIM 300807.
Hereditary factor IX deficiency disease (HEMB). Also called: F9 DEFICIENCY; FACTOR IX DEFICIENCY; PLASMA THROMBOPLASTIN COMPONENT DEFICIENCY; Hemophilia B; Christmas Disease. Identifiers: Orphanet 98879, MedGen C0008533, MeSH D002836, MONDO:0010604, OMIM 306900.

Allele frequency attached by ClinVar (database versions not stated): ExAC 0.00001; gnomAD 0.00001; gnomAD exomes 0.00002 and 0.00004; TOPMed 0.00002.
gnomAD v4.1: 30 of 1,207,862 alleles (0.0025%); highest among the groups gnomAD compares: Non-Finnish European, 0.00022%; no homozygotes.

Submissions (5):

ClinGen Coagulation Factor Deficiency Variant Curation Expert Panel, Clingen
Classification: Benign for Hereditary factor IX deficiency disease. Last evaluated: 2024-02-09. Review status: reviewed by expert panel. Criteria: ClinGen CoagFactor ACMG Specifications F9 V1.0.0. Collection method: curation. Allele origin: germline. Inheritance: X-linked inheritance.
Comment: The NM_000133.4(F9):c.60A>G (p.Leu20=) synonymous variant is reported at an MAF of 0.0009351 (7/7486 alleles) in the Ashkenazi Jewish population in gnomAD v2.1.1 with 4 hemizygotes, meeting BA1 criteria of MAF > 0.0000556. SpliceAI predicts no splicing impact with a score of 0.0, meeting BP4 and BP7 criteria (<0.01). In summary, based on the evidence available at this time, the clinical significance of this variant is benign. ACMG/AMP criteria applied, as specified by the Coagulation Factor Deficiency Variant Curation Expert Panel for F9: BA1, BP4 and BP7.

Labcorp Genetics (formerly Invitae), Labcorp
Classification: Likely benign for Thrombophilia, X-linked, due to factor 9 defect; Hereditary factor IX deficiency disease. Last evaluated: 2025-08-24. Review status: criteria provided, single submitter. Criteria: Invitae Variant Classification Sherloc (09022015). Collection method: clinical testing. Allele origin: germline. Not counted in ClinVar's aggregate classification.

Blueprint Genetics
Classification: Likely benign. Last evaluated: 2021-10-01. Review status: criteria provided, single submitter. Criteria: ACMG Guidelines, 2015. Collection method: clinical testing. Allele origin: germline. Not counted in ClinVar's aggregate classification.

Illumina Laboratory Services, Illumina
Classification: Uncertain significance for Hereditary factor IX deficiency disease. Last evaluated: 2017-04-27. Review status: criteria provided, single submitter. Criteria: ICSL Variant Classification Criteria 13 December 2019. Collection method: clinical testing. Allele origin: germline. Not counted in ClinVar's aggregate classification.
Comment: This variant was observed as part of a predisposition screen in an ostensibly healthy population. A literature search was performed for the gene, cDNA change, and amino acid change (where applicable). Publications were found based on this search. However, the evidence from the literature, in combination with allele frequency data from public databases where available, was not sufficient to rule this variant in or out of causing disease. Therefore, this variant is classified as a variant of unknown significance.

Natera, Inc.
Classification: Likely benign for Hemophilia B. Last evaluated: 2020-09-16. Review status: no assertion criteria provided. Collection method: clinical testing. Allele origin: germline. Not counted in ClinVar's aggregate classification.

Literature cited by the submitters: PubMed 8392713 (cited by Illumina Laboratory Services, Illumina).

NM_000133.4(F9):c.60A>G (p.Leu20=)

Gene: F9 (coagulation factor IX; plus strand). Cytogenetic location: Xq27.1.
Variant type: single nucleotide variant.
Coding change: c.60A>G on transcript NM_000133.4 (MANE Select); coding-DNA position 60, A replaced by G.
Protein change: p.Leu20=; no amino-acid change (leucine 20 retained).
Molecular consequence: synonymous variant.
Genome position (GRCh38, 1-based): chrX:139,530,824, A>G. VCF-style: chrX-139530824-A-G. GRCh37 (hg19) VCF-style: chrX-138612983-A-G.
Other names: NM_000133.4(F9):c.60A>G; p.Leu20=; c.60A>G, p.Leu20= (NM_001313913.2).
Identifiers: ClinVar variation 701352 (VCV000701352.18), dbSNP rs762082146, ClinGen allele CA10529715.